The following is an entry in ClinVar:

NM_018082.6(POLR3B):c.73-9G>A

Gene: POLR3B (RNA polymerase III subunit B; plus strand). Cytogenetic location: 12q23.3.
Variant type: single nucleotide variant.
Coding change: c.73-9G>A on transcript NM_018082.6 (MANE Select); 9 bases into the intron before coding-DNA position 73, G replaced by A.
Molecular consequence: intron variant.
Genome position (GRCh38, 1-based): chr12:106,363,861, G>A. VCF-style: chr12-106363861-G-A. GRCh37 (hg19) VCF-style: chr12-106757639-G-A.
Other names: c.-102-9G>A (NM_001160708.2).
Identifiers: ClinVar variation 4882835 (VCV004882835.2).

ClinVar aggregate classification (germline): Uncertain significance (1 of 4 stars; one submission).

Conditions:
Leukodystrophy, hypomyelinating, 8, with or without oligodontia and/or hypogonadotropic hypogonadism. Also called: LEUKODYSTROPHY, HYPOMYELINATING, 8, WITH HYPODONTIA AND HYPOGONADOTROPIC HYPOGONADISM; Hypomyelinating leukodystrophy 8 with or without oligodontia and-or hypogonadotropic hypogonadism; Endosteal sclerosis-cerebellar hypoplasia syndrome. Identifiers: Orphanet 85186, Orphanet 88637, MedGen C3280644, MONDO:0013722, OMIM 614381.

gnomAD v4.1: 4 of 1,603,470 alleles (0.00025%); highest among the groups gnomAD compares: Non-Finnish European, 0.00034%; no homozygotes.

Submission:

Dasa
Classification: Uncertain significance for hypomyelinating leukodystrophy 8 with or without oligodontia and-or hypogonadotropic hypogonadism. Last evaluated: 2025-09-26. Review status: criteria provided, single submitter. Criteria: DASA Assertion Criteria. Collection method: clinical testing. Allele origin: germline.
Comment: NM_018082.6(POLR3B):c.73-9G>A is a splice-region variant predicted to affect normal RNA splicing. This variant has been observed in affected individuals with POLR3B-related disorders. Also, this variant is rare in population databases. Computational prediction algorithms are consistent with a deleterious effect. The currently available literature and clinical evidence are not sufficient to establish a definitive association between this variant and the reported condition. Therefore, this variant is classified as a variant of uncertain significance.